The following is an entry in ClinVar:

ClinVar aggregate classification (germline): Uncertain significance. Review status: criteria provided, multiple submitters, no conflicts (2 of 4 stars). 2 submissions from 2 submitters: Uncertain significance (2). Last evaluated 2024-12-12.

Conditions:
MIRAGE syndrome. Also called: MYELODYSPLASIA, INFECTION, RESTRICTION OF GROWTH, ADRENAL HYPOPLASIA, GENITAL PHENOTYPES, AND ENTEROPATHY. Identifiers: Orphanet 494433, MedGen C4284088, MONDO:0014888, OMIM 617053.

Submissions (2):

Labcorp Genetics (formerly Invitae), Labcorp
Classification: Uncertain significance. Last evaluated: 2024-12-12. Review status: criteria provided, single submitter. Criteria: Invitae Variant Classification Sherloc (09022015). Collection method: clinical testing. Allele origin: germline.
Comment: This sequence change creates a premature translational stop signal (p.Tyr328*) in the SAMD9 gene. While this is not anticipated to result in nonsense mediated decay, it is expected to disrupt the last 1262 amino acid(s) of the SAMD9 protein. This variant is not present in population databases (gnomAD no frequency). This variant has not been reported in the literature in individuals affected with SAMD9-related conditions. ClinVar contains an entry for this variant (Variation ID: 1342633). Experimental studies and prediction algorithms are not available or were not evaluated, and the functional significance of this variant is currently unknown. In summary, the available evidence is currently insufficient to determine the role of this variant in disease. Therefore, it has been classified as a Variant of Uncertain Significance.

New York Genome Center
Classification: Uncertain significance for MIRAGE syndrome. Last evaluated: 2021-02-26. Review status: criteria provided, single submitter. Criteria: NYGC Assertion Criteria 2020. Collection method: clinical testing. Allele origin: inherited. Observed: 1 heterozygote. Study: CSER-NYCKidSeq.

NM_017654.4(SAMD9):c.984C>A (p.Tyr328Ter)

Gene: SAMD9 (sterile alpha motif domain containing 9; minus strand). Cytogenetic location: 7q21.2.
Variant type: single nucleotide variant.
Coding change: c.984C>A on transcript NM_017654.4 (MANE Select); coding-DNA position 984, C replaced by A.
Protein change: p.Tyr328Ter; replaces tyrosine 328 with a stop codon.
Molecular consequence: nonsense.
Genome position (GRCh38, 1-based): chr7:93,105,114, G>T on the plus strand (C>A on the coding strand, the complement: SAMD9 is on the minus strand). VCF-style: chr7-93105114-G-T. GRCh37 (hg19) VCF-style: chr7-92734427-G-T.
Other names: c.984C>A, p.Tyr328Ter (NM_001193307.2); short protein forms Y328*.
Identifiers: ClinVar variation 1342633 (VCV001342633.3), dbSNP rs2116421055, ClinGen allele CA368202878.